The following is an entry in ClinVar:

ClinVar aggregate classification (germline): Uncertain significance (1 of 4 stars; one submission).

Submission:

CeGaT Center for Human Genetics Tuebingen
Classification: Uncertain significance. Last evaluated: 2024-09-01. Review status: criteria provided, single submitter. Criteria: CeGaT Center For Human Genetics Tuebingen Variant Classification Criteria Version 2. Collection method: clinical testing. Allele origin: germline. Affected: yes. Observed: 1 variant allele.
Comment: NKX2-1: PM2:Supporting, BP4

NM_001079668.3(NKX2-1):c.273C>T (p.His91=)

Genes: NKX2-1 (NK2 homeobox 1; minus strand), SFTA3 (surfactant associated 3; minus strand). Cytogenetic location: 14q13.3.
Variant type: single nucleotide variant.
Coding change: c.273C>T on transcript NM_001079668.3 (MANE Select); coding-DNA position 273, C replaced by T.
Protein change: p.His91=; no amino-acid change (histidine 91 retained).
Molecular consequence: synonymous variant.
Genome position (GRCh38, 1-based): chr14:36,519,175, G>A on the plus strand (C>T on the coding strand, the complement: NKX2-1 is on the minus strand). VCF-style: chr14-36519175-G-A. GRCh37 (hg19) VCF-style: chr14-36988380-G-A.
Other names: c.183C>T, p.His61= (NM_003317.4).
Identifiers: ClinVar variation 3389745 (VCV003389745.14).